The following is an entry in ClinVar:

ClinVar aggregate classification (germline): Likely benign. Review status: criteria provided, multiple submitters, no conflicts (2 of 4 stars). 6 submissions from 6 submitters: Likely benign (6). Last evaluated 2025-09-01.

Conditions:
Congenital contractural arachnodactyly (CCA). Also called: BEALS SYNDROME; Beals-Hecht syndrome; Arthrogryposis, distal, type 9. Identifiers: Orphanet 115, MedGen C0220668, MONDO:0007363, OMIM 121050.
Familial thoracic aortic aneurysm and aortic dissection (TAAD). Also called: Thoracic aortic aneurysms and dissections. Identifiers: Orphanet 91387, MedGen C4707243, MONDO:0019625.

Allele frequency attached by ClinVar (database versions not stated): gnomAD exomes 0.00004 and 0.00010; ExAC 0.00011; TOPMed 0.00027; 1000 Genomes Project 30x 0.00031; gnomAD 0.00031 and 0.00035; 1000 Genomes Project 0.00040; ESP Exome Variant Server 0.00046.
gnomAD v4.1: 110 of 1,614,056 alleles (0.0068%); highest among the groups gnomAD compares: African/African-American, 0.1%; no homozygotes.

Submissions (6):

Labcorp Genetics (formerly Invitae), Labcorp
Classification: Likely benign for Congenital contractural arachnodactyly. Last evaluated: 2025-09-01. Review status: criteria provided, single submitter. Criteria: Invitae Variant Classification Sherloc (09022015). Collection method: clinical testing. Allele origin: germline.

CeGaT Center for Human Genetics Tuebingen
Classification: Likely benign. Last evaluated: 2023-06-01. Review status: criteria provided, single submitter. Criteria: CeGaT Center For Human Genetics Tuebingen Variant Classification Criteria Version 2. Collection method: clinical testing. Allele origin: germline. Affected: yes. Observed: 1 variant allele.
Comment: FBN2: BP4, BP7

GeneDx
Classification: Likely benign. Last evaluated: 2021-01-05. Review status: criteria provided, single submitter. Criteria: GeneDx Variant Classification Process June 2021. Collection method: clinical testing. Allele origin: germline. Affected: yes.

ARUP Laboratories, Molecular Genetics and Genomics, ARUP Laboratories
Classification: Likely benign. Last evaluated: 2019-11-21. Review status: criteria provided, single submitter. Criteria: ARUP Molecular Germline Variant Investigation Process. Collection method: clinical testing. Allele origin: germline.

Ambry Genetics
Classification: Likely benign for Familial thoracic aortic aneurysm and aortic dissection. Last evaluated: 2017-02-01. Review status: criteria provided, single submitter. Criteria: Ambry Variant Classification Scheme 2023. Collection method: clinical testing. Allele origin: germline.

Breakthrough Genomics
Classification: Likely benign. Review status: criteria provided, single submitter. Criteria: ACMG Guidelines, 2015. Collection method: not provided. Allele origin: germline. Inheritance: Autosomal dominant inheritance. Affected: yes.

NM_001999.4(FBN2):c.5031C>T (p.Cys1677=)

Gene: FBN2 (fibrillin 2; minus strand). Cytogenetic location: 5q23.3.
Variant type: single nucleotide variant.
Coding change: c.5031C>T on transcript NM_001999.4 (MANE Select); coding-DNA position 5031, C replaced by T.
Protein change: p.Cys1677=; no amino-acid change (cysteine 1677 retained).
Molecular consequence: synonymous variant.
Genome position (GRCh38, 1-based): chr5:128,311,343, G>A on the plus strand (C>T on the coding strand, the complement: FBN2 is on the minus strand). VCF-style: chr5-128311343-G-A. GRCh37 (hg19) VCF-style: chr5-127647035-G-A.
Identifiers: ClinVar variation 507910 (VCV000507910.45), dbSNP rs147452231, ClinGen allele CA3394810.
Genomic context (GRCh38, chr5:128,311,343, plus strand): 5'-CATCAAATTCATCTCACCTTCACAGATGCGGGTATCCTCGCTGAGGTAGTAGCCTTGTGG[G>A]CACTCACACTGGAAGCTCCCAAAAGTGTTGATGCAGTTTCCACCCTGGCAGAGACCTGGT-3'
Protein context (NP_001990.2, residues 1667-1687): INTFGSFQCE[Cys1677=]PQGYYLSEDT